The following is an entry in ClinVar:

ClinVar aggregate classification (germline): Pathogenic. Review status: reviewed by expert panel (3 of 4 stars). 2 submissions from 2 submitters: Pathogenic (1). 1 of the submissions does not count toward it. Last evaluated 2025-01-09.

Conditions:
Autosomal recessive limb-girdle muscular dystrophy. Identifiers: Orphanet 102015, MedGen C2931907, MONDO:0015152.
Autosomal recessive limb-girdle muscular dystrophy type 2E (LGMDR4). Also called: MUSCULAR DYSTROPHY, LIMB-GIRDLE, AUTOSOMAL RECESSIVE 4. Identifiers: Orphanet 119, MedGen C1858593, MONDO:0011423, OMIM 604286. Disease mechanism: Affects gamma-sarcoglycan and also disrupts the integrity of the entire sarcoglycan complex..

Allele frequency attached by ClinVar (database versions not stated): gnomAD exomes below 0.00001 and 0.00001; gnomAD 0.00001; TOPMed 0.00001; ExAC 0.00002.
gnomAD v4.1: 7 of 1,613,878 alleles (0.00043%); highest among the groups gnomAD compares: Non-Finnish European, 0.00059%; no homozygotes.

Submissions (2):

ClinGen Limb Girdle Muscular Dystrophy Variant Curation Expert Panel, ClinGen
Classification: Pathogenic for Autosomal recessive limb-girdle muscular dystrophy. Last evaluated: 2025-01-09. Review status: reviewed by expert panel. Criteria: ClinGen LGMD VCEP ACMG Specifications SGCB V1.0.0. Collection method: curation. Allele origin: germline. Inheritance: Autosomal recessive inheritance.
Comment: The NM_000232.5: c.85A>T p.(Arg29Ter) variant in SGCB is a nonsense variant that may cause loss of function of the protein. However, the premature stop encoded by this variant occurs within the first 100 base pairs, and the resulting transcript may escape nonsense mediated decay. The next in-frame methionine is at amino acid 100, and non-truncating variants upstream of this alternative start site are classified as likely pathogenic or pathogenic (c.265G>A p.(Val89Met), c.271C>T p.(Arg91Cys)) (PVS1_Moderate). This variant has been detected in at least five individuals with signs of limb girdle muscular dystrophy (PMID: 11369190, 17994539, 25862795), including confirmed in trans with a likely pathogenic or pathogenic variant (c.377_384dup p.(Gly128GlnfsTer2), 1.0 pt; c.271C>T p.(Arg91Cys), 1.0 pt; PMID: 17994539, 25862795, 11369190) (PM3_Strong). At least one patient with this variant showed progressive limb girdle muscle weakness and absent or severely reduced expression of β-sarcoglycan protein in skeletal muscle, which is highly specific for SGCB-related LGMD (PP4_Strong; PMID: 25862795). The highest minor allele frequency of this variant is 0.00001758 in the European (non-Finnish) population in gnomAD v2.1.1 (2/113756 exome chromosomes), which is lower than the LGMD VCEP threshold (<0.00009) for PM2_Supporting, meeting this criterion (PM2_Supporting). In summary, this variant meets the criteria to be classified as Pathogenic for autosomal recessive limb girdle muscular dystrophy based on the ACMG/AMP criteria applied, as specified by the ClinGen LGMD VCEP (LGMD VCEP specifications version 1.0.0; 01/09/2025): PVS1_Moderate, PM3_Strong, PP4_Strong, PM2_Supporting.

Counsyl
Classification: Likely pathogenic for Autosomal recessive limb-girdle muscular dystrophy type 2E. Last evaluated: 2016-04-12. Review status: no assertion criteria provided. Collection method: clinical testing. Allele origin: unknown. Not counted in ClinVar's aggregate classification.

Literature cited by the submitters: PubMed 17994539 (cited by Counsyl); PubMed 25862795 (cited by Counsyl).

NM_000232.5(SGCB):c.85A>T (p.Arg29Ter)

Gene: SGCB (sarcoglycan beta; minus strand). Cytogenetic location: 4q12.
Variant type: single nucleotide variant.
Coding change: c.85A>T on transcript NM_000232.5 (MANE Select); coding-DNA position 85, A replaced by T.
Protein change: p.Arg29Ter; replaces arginine 29 with a stop codon.
Molecular consequence: nonsense.
Genome position (GRCh38, 1-based): chr4:52,033,589, T>A on the plus strand (A>T on the coding strand, the complement: SGCB is on the minus strand). VCF-style: chr4-52033589-T-A. GRCh37 (hg19) VCF-style: chr4-52899755-T-A.
Other names: NM_000232.5(SGCB):c.85A>T; p.Arg29Ter; short protein forms R29*.
Identifiers: ClinVar variation 370775 (VCV000370775.4), dbSNP rs747809412, ClinGen allele CA2918507.